The following is an entry in ClinVar:

NM_001379500.1(COL18A1):c.1231G>A (p.Gly411Ser)

Gene: COL18A1 (collagen type XVIII alpha 1 chain; plus strand). Cytogenetic location: 21q22.3.
Variant type: single nucleotide variant.
Coding change: c.1231G>A on transcript NM_001379500.1 (MANE Select); coding-DNA position 1231, G replaced by A.
Protein change: p.Gly411Ser; replaces glycine 411 with serine.
Molecular consequence: missense variant.
Genome position (GRCh38, 1-based): chr21:45,478,336, G>A. VCF-style: chr21-45478336-G-A. GRCh37 (hg19) VCF-style: chr21-46898250-G-A.
Other names: c.1771G>A, p.Gly591Ser (NM_030582.4); c.2476G>A, p.Gly826Ser (NM_130444.3); short protein forms G591S, G826S, G411S.
Identifiers: ClinVar variation 1986297 (VCV001986297.1), dbSNP rs769618373, ClinGen allele CA10066163.

ClinVar aggregate classification (germline): Uncertain significance (1 of 4 stars; one submission).

Allele frequency attached by ClinVar (database versions not stated): TOPMed below 0.00001; ExAC 0.00001.
gnomAD v4.1: 14 of 1,614,168 alleles (0.00087%); highest among the groups gnomAD compares: South Asian, 0.0022%; no homozygotes.

Submission:

Labcorp Genetics (formerly Invitae), Labcorp
Classification: Uncertain significance. Last evaluated: 2022-08-03. Review status: criteria provided, single submitter. Criteria: Invitae Variant Classification Sherloc (09022015). Collection method: clinical testing. Allele origin: germline.
Comment: This sequence change replaces glycine, which is neutral and non-polar, with serine, which is neutral and polar, at codon 411 of the COL18A1 protein (p.Gly411Ser). This variant is present in population databases (rs769618373, gnomAD 0.01%). This variant has not been reported in the literature in individuals affected with COL18A1-related conditions. Experimental studies and prediction algorithms are not available or were not evaluated, and the functional significance of this variant is currently unknown. In summary, the available evidence is currently insufficient to determine the role of this variant in disease. Therefore, it has been classified as a Variant of Uncertain Significance.